The following is an entry in ClinVar:

ClinVar aggregate classification (germline): Likely benign (0 of 4 stars; one submission).

Conditions:
PLCG1-related disorder. Also called: PLCG1-related condition.

gnomAD v4.1: 1,230 of 1,612,362 alleles (0.076%); highest among the groups gnomAD compares: Non-Finnish European, 0.099%; no homozygotes.

Submission:

PreventionGenetics, part of Exact Sciences
Classification: Likely benign for PLCG1-related condition. Last evaluated: 2024-07-03. Review status: no assertion criteria provided. Collection method: clinical testing. Allele origin: germline.
Comment: This variant is classified as likely benign based on ACMG/AMP sequence variant interpretation guidelines (Richards et al. 2015 PMID: 25741868, with internal and published modifications).

NM_002660.3(PLCG1):c.2412C>T (p.Ala804=)

Gene: PLCG1 (phospholipase C gamma 1; plus strand). Cytogenetic location: 20q12.
Variant type: single nucleotide variant.
Coding change: c.2412C>T on transcript NM_002660.3 (MANE Select); coding-DNA position 2412, C replaced by T.
Protein change: p.Ala804=; no amino-acid change (alanine 804 retained).
Molecular consequence: synonymous variant.
Genome position (GRCh38, 1-based): chr20:41,168,799, C>T. VCF-style: chr20-41168799-C-T. GRCh37 (hg19) VCF-style: chr20-39797439-C-T.
Other names: c.2412C>T, p.Ala804= (NM_182811.2).
Identifiers: ClinVar variation 3353519 (VCV003353519.1).